The following is an entry in ClinVar:

ClinVar aggregate classification (germline): Conflicting classifications of pathogenicity. Review status: criteria provided, conflicting classifications (1 of 4 stars). 9 submissions from 9 submitters: Uncertain significance (3); Likely benign (5). 1 of the submissions does not count toward it. Last evaluated 2026-06-01.

Conditions:
Inborn genetic diseases. Identifiers: MedGen C0950123, MeSH D030342.
VPS13B-related disorder. Also called: VPS13B-related condition.
Cohen syndrome (COH1). Also called: Cutis verticis gyrata, retinitis pigmentosa, and sensorineural deafness; PEPPER SYNDROME. Identifiers: Orphanet 193, MedGen C0265223, MONDO:0008999, OMIM 216550.

Allele frequency attached by ClinVar (database versions not stated): gnomAD exomes 0.00014 and 0.00027; ExAC 0.00034; 1000 Genomes Project 0.00060; 1000 Genomes Project 30x 0.00078; ESP Exome Variant Server 0.00115; gnomAD 0.00129 and 0.00144; TOPMed 0.00143.

Submissions (9):

CeGaT Center for Human Genetics Tuebingen
Classification: Likely benign. Last evaluated: 2026-06-01. Review status: criteria provided, single submitter. Criteria: CeGaT Center For Human Genetics Tuebingen Variant Classification Criteria Version 2. Collection method: clinical testing. Allele origin: germline. Affected: yes. Observed: 2 variant alleles.
Comment: VPS13B: BP4

Labcorp Genetics (formerly Invitae), Labcorp
Classification: Likely benign for Cohen syndrome. Last evaluated: 2026-01-28. Review status: criteria provided, single submitter. Criteria: Invitae Variant Classification Sherloc (09022015). Collection method: clinical testing. Allele origin: germline.

Mayo Clinic Laboratories, Mayo Clinic
Classification: Likely benign. Last evaluated: 2025-08-22. Review status: criteria provided, single submitter. Criteria: ACMG Guidelines, 2015. Collection method: clinical testing. Allele origin: germline. Observed: 2 variant alleles.
Comment: BS1, BP1, BP4

Blueprint Genetics
Classification: Likely benign. Last evaluated: 2024-05-03. Review status: criteria provided, single submitter. Criteria: ACMG Guidelines, 2015. Collection method: clinical testing. Allele origin: germline.

Ambry Genetics
Classification: Likely benign for Inborn genetic diseases. Last evaluated: 2024-05-02. Review status: criteria provided, single submitter. Criteria: Ambry Variant Classification Scheme 2023. Collection method: clinical testing. Allele origin: germline.

Genetic Services Laboratory, University of Chicago
Classification: Uncertain significance. Last evaluated: 2021-07-27. Review status: criteria provided, single submitter. Criteria: ACMG Guidelines, 2015. Collection method: clinical testing. Allele origin: germline. Affected: no.
Comment: DNA sequence analysis of the VPS13B gene demonstrated a sequence change, c.3116T>C, in exon 22 that results in an amino acid change, p.Met1039Thr. This sequence change does not appear to have been previously described in patients with VPS13B-related disorders and has been described in the gnomAD database with a low population frequency of 0.039% (dbSNP rs140015545). The p.Met1039Thr change affects a poorly conserved amino acid residue located in a domain of the VPS13B protein that is not known to be functional. In-silico pathogenicity prediction tools (SIFT, PolyPhen2, Align GVGD, REVEL) provide contradictory results for the p.Met1039Thr substitution. Due to these contrasting evidences and the lack of functional studies, the clinical significance of the p.Met1039Thr change remains unknown at this time. Homozygous and compound heterozygous mutations in VPS13B have been identified in patients with Cohen syndrome [MIM#216550], characterized by ID, postnatal microcephaly, facial dysmorphism, pigmentary retinopathy, myopia and intermittent neutropenia.

Center for Genomics, Ann and Robert H. Lurie Children's Hospital of Chicago
Classification: Uncertain significance for Cohen syndrome. Last evaluated: 2021-03-30. Review status: criteria provided, single submitter. Criteria: ACMG Guidelines, 2015. Collection method: clinical testing. Allele origin: germline.
Comment: VPS13B NM_017890 exon 22 p.Met1039Thr (c.3116T>C): This variant has not been reported in the literature but is present in 0.4% (98/24028) African alleles, including 1 homozygote in the Genome Aggregation Database. Evolutionary conservation and computational predictive tools suggest that this variant may not impact the protein. In summary, data on this variant is insufficient for disease classification. Therefore, the clinical significance of this variant is uncertain.

GeneDx
Classification: Uncertain significance. Last evaluated: 2020-10-01. Review status: criteria provided, single submitter. Criteria: GeneDx Variant Classification Process June 2021. Collection method: clinical testing. Allele origin: germline. Affected: yes.
Comment: In silico analysis supports that this missense variant does not alter protein structure/function; Has not been previously published as pathogenic or benign to our knowledge

PreventionGenetics, part of Exact Sciences
Classification: Likely benign for VPS13B-related condition. Last evaluated: 2023-12-08. Review status: no assertion criteria provided. Collection method: clinical testing. Allele origin: germline. Not counted in ClinVar's aggregate classification.
Comment: This variant is classified as likely benign based on ACMG/AMP sequence variant interpretation guidelines (Richards et al. 2015 PMID: 25741868, with internal and published modifications).

NM_152564.5(VPS13B):c.3116T>C (p.Met1039Thr)

Gene: VPS13B (vacuolar protein sorting 13 homolog B; plus strand). Cytogenetic location: 8q22.2.
Variant type: single nucleotide variant.
Coding change: c.3116T>C on transcript NM_152564.5 (MANE Select); coding-DNA position 3116, T replaced by C.
Protein change: p.Met1039Thr; replaces methionine 1039 with threonine.
Molecular consequence: missense variant.
Genome position (GRCh38, 1-based): chr8:99,431,570, T>C. VCF-style: chr8-99431570-T-C. GRCh37 (hg19) VCF-style: chr8-100443798-T-C.
Other names: p.Met1039Thr; c.3116T>C, p.Met1039Thr (NM_017890.5); c.3116T>C (NM_152564.4); short protein forms M1039T.
Identifiers: ClinVar variation 528860 (VCV000528860.50), dbSNP rs140015545, ClinGen allele CA4823177.